The following is an entry in ClinVar:

NM_001267550.2(TTN):c.78962_80999delinsTGCTTATT (p.His26321fs)

Genes: TTN (titin; minus strand), TTN-AS1 (TTN antisense RNA 1; plus strand). Cytogenetic location: 2q31.2.
Variant type: Indel.
Coding change: c.78962_80999delinsTGCTTATT on transcript NM_001267550.2 (MANE Select); coding-DNA positions 78962 to 80999, the reference bases replaced by TGCTTATT.
Protein change: p.His26321fs; shifts the reading frame from histidine 26321.
Molecular consequence: frameshift variant.
Genome position (GRCh38, 1-based): chr2:178,565,133-178,567,170, 2,038 bases replaced. GRCh37 (hg19): chr2:179,429,860-179,431,897.
Other names: c.74039_76076delinsTGCTTATT, p.His24680fs (NM_001256850.1); c.51767_53804delinsTGCTTATT, p.His17256fs (NM_003319.4); c.71258_73295delinsTGCTTATT, p.His23753fs (NM_133378.4); c.52142_54179delinsTGCTTATT, p.His17381fs (NM_133432.3); c.52343_54380delinsTGCTTATT, p.His17448fs (NM_133437.4); c.51767_53804del2038insTGCTTATT (NM_003319.4); short protein forms H17256fs, H17381fs, H17448fs, H23753fs, H24680fs, H26321fs.
Identifiers: ClinVar variation 3223296 (VCV003223296.1), ClinGen allele CA2825001021.

ClinVar aggregate classification (germline): Likely pathogenic (1 of 4 stars; one submission).

Conditions:
Cardiovascular phenotype. Identifiers: MedGen CN230736.

Submission:

Ambry Genetics
Classification: Likely pathogenic for Cardiovascular phenotype. Last evaluated: 2024-02-07. Review status: criteria provided, single submitter. Criteria: Ambry Variant Classification Scheme 2023. Collection method: clinical testing. Allele origin: germline.
Comment: The c.51767_53804del2038insTGCTTATT variant, located in coding exon 153 of the TTN gene, results from a deletion of 2038 nucleotides and insertion of TGCTTATT from positions 51767 to 53804, causing a translational frameshift with a predicted alternate stop codon (p.H17256Lfs*36). This exon is located in the A-band region of the N2-B isoform of the titin protein and is constitutively expressed in TTN transcripts (percent spliced in or PSI 100%). This variant is considered to be rare based on population cohorts in the Genome Aggregation Database (gnomAD). This alteration is expected to result in loss of function by premature protein truncation or nonsense-mediated mRNA decay. While truncating variants in TTN are present in 1-3% of the general population, truncating variants in the A-band are the most common cause of dilated cardiomyopathy (DCM) (Herman DS et al. N. Engl. J. Med., 2012 Feb;366:619-28; Roberts AM et al. Sci Transl Med, 2015 Jan;7:270ra6). TTN truncating variants encoded in constitutive exons (PSI >90%) have been found to be significantly associated with DCM regardless of their position in titin (Schafer S et al. Nat. Genet., 2017 01;49:46-53). Based on the majority of available evidence to date, this variant is likely to be pathogenic.